The following is an entry in ClinVar:

NM_181882.3(PRX):c.311A>T (p.Asp104Val)

Gene: PRX (periaxin; minus strand). Cytogenetic location: 19q13.2.
Variant type: single nucleotide variant.
Coding change: c.311A>T on transcript NM_181882.3 (MANE Select); coding-DNA position 311, A replaced by T.
Protein change: p.Asp104Val; replaces aspartic acid 104 with valine.
Molecular consequence: missense variant.
Genome position (GRCh38, 1-based): chr19:40,398,690, T>A on the plus strand (A>T on the coding strand, the complement: PRX is on the minus strand). VCF-style: chr19-40398690-T-A. GRCh37 (hg19) VCF-style: chr19-40904597-T-A.
Other names: c.596A>T, p.Asp199Val (NM_001411127.1); c.311A>T, p.Asp104Val (NM_020956.2); short protein forms D104V, D199V.
Identifiers: ClinVar variation 1982417 (VCV001982417.2), dbSNP rs779240493, ClinGen allele CA9444509.

ClinVar aggregate classification (germline): Uncertain significance (1 of 4 stars; one submission).

Conditions:
Charcot-Marie-Tooth disease type 4. Also called: Charcot-Marie-Tooth, Type 4; Charcot-Marie-Tooth disease, type IV. Identifiers: Orphanet 64749, MedGen C4082197, MONDO:0018995.

Allele frequency attached by ClinVar (database versions not stated): ExAC 0.00001; gnomAD exomes 0.00001; gnomAD 0.00002; TOPMed 0.00002.
gnomAD v4.1: 20 of 1,613,696 alleles (0.0012%); highest among the groups gnomAD compares: Admixed American, 0.0017%; no homozygotes.

Submission:

Labcorp Genetics (formerly Invitae), Labcorp
Classification: Uncertain significance for Charcot-Marie-Tooth disease type 4. Last evaluated: 2023-12-21. Review status: criteria provided, single submitter. Criteria: Invitae Variant Classification Sherloc (09022015). Collection method: clinical testing. Allele origin: germline.
Comment: This sequence change replaces aspartic acid, which is acidic and polar, with valine, which is neutral and non-polar, at codon 104 of the PRX protein (p.Asp104Val). This variant is present in population databases (rs779240493, gnomAD 0.003%). This variant has not been reported in the literature in individuals affected with PRX-related conditions. ClinVar contains an entry for this variant (Variation ID: 1982417). An algorithm developed to predict the effect of missense changes on protein structure and function (PolyPhen-2) suggests that this variant is likely to be disruptive. In summary, the available evidence is currently insufficient to determine the role of this variant in disease. Therefore, it has been classified as a Variant of Uncertain Significance.